The following is an entry in ClinVar:

NM_001042492.3(NF1):c.8477G>T (p.Ser2826Ile)

Gene: NF1 (neurofibromin 1; plus strand). Cytogenetic location: 17q11.2.
Variant type: single nucleotide variant.
Coding change: c.8477G>T on transcript NM_001042492.3 (MANE Select); coding-DNA position 8477, G replaced by T.
Protein change: p.Ser2826Ile; replaces serine 2826 with isoleucine.
Molecular consequence: missense variant.
Genome position (GRCh38, 1-based): chr17:31,374,112, G>T. VCF-style: chr17-31374112-G-T. GRCh37 (hg19) VCF-style: chr17-29701130-G-T.
Other names: c.8414G>T, p.Ser2805Ile (NM_000267.4); short protein forms S2805I, S2826I.
Identifiers: ClinVar variation 2110163 (VCV002110163.4), dbSNP rs1057523477, ClinGen allele CA399206063.

ClinVar aggregate classification (germline): Uncertain significance (1 of 4 stars; one submission).

Conditions:
Neurofibromatosis, type 1 (NF1). Also called: Peripheral type neurofibromatosis; NEUROFIBROMATOSIS, TYPE I, SOMATIC; VON RECKLINGHAUSEN DISEASE; Neurofibromatosis, type I. Identifiers: Orphanet 636, MedGen C0027831, MONDO:0018975, OMIM 162200. Disease mechanism: loss of function.

Allele frequency attached by ClinVar (database versions not stated): gnomAD exomes below 0.00001.
gnomAD v4.1: 1 of 1,614,106 alleles (0.000062%); highest among the groups gnomAD compares: Non-Finnish European, 0.000085%; no homozygotes.

Submission:

Labcorp Genetics (formerly Invitae), Labcorp
Classification: Uncertain significance for Neurofibromatosis, type 1. Last evaluated: 2023-10-28. Review status: criteria provided, single submitter. Criteria: Invitae Variant Classification Sherloc (09022015). Collection method: clinical testing. Allele origin: germline.
Comment: This sequence change replaces serine, which is neutral and polar, with isoleucine, which is neutral and non-polar, at codon 2805 of the NF1 protein (p.Ser2805Ile). This variant is not present in population databases (gnomAD no frequency). This variant has not been reported in the literature in individuals affected with NF1-related conditions. ClinVar contains an entry for this variant (Variation ID: 2110163). Advanced modeling of protein sequence and biophysical properties (such as structural, functional, and spatial information, amino acid conservation, physicochemical variation, residue mobility, and thermodynamic stability) has been performed at Invitae for this missense variant, however the output from this modeling did not meet the statistical confidence thresholds required to predict the impact of this variant on NF1 protein function. In summary, the available evidence is currently insufficient to determine the role of this variant in disease. Therefore, it has been classified as a Variant of Uncertain Significance.